The following is an entry in ClinVar:

NM_000238.4(KCNH2):c.2932G>A (p.Glu978Lys)

Gene: KCNH2 (potassium voltage-gated channel subfamily H member 2; minus strand). Cytogenetic location: 7q36.1.
Variant type: single nucleotide variant.
Coding change: c.2932G>A on transcript NM_000238.4 (MANE Select); coding-DNA position 2932, G replaced by A.
Protein change: p.Glu978Lys; replaces glutamic acid 978 with lysine.
Molecular consequence: missense variant.
Genome position (GRCh38, 1-based): chr7:150,947,639, C>T on the plus strand (G>A on the coding strand, the complement: KCNH2 is on the minus strand). VCF-style: chr7-150947639-C-T. GRCh37 (hg19) VCF-style: chr7-150644727-C-T.
Other names: c.2932G>A (LRG_288t1); c.1912G>A, p.Glu638Lys (NM_172057.3); short protein forms E638K, E978K.
Identifiers: ClinVar variation 67453 (VCV000067453.36), dbSNP rs141117135, ClinGen allele CA007646.

ClinVar aggregate classification (germline): Likely benign. Review status: criteria provided, multiple submitters, no conflicts (2 of 4 stars). 9 submissions from 9 submitters: Likely benign (8). 1 of the submissions does not count toward it. Last evaluated 2026-07-01.

Conditions:
Cardiovascular phenotype. Identifiers: MedGen CN230736.
Cardiac arrhythmia. Also called: Cardiac rhythm disease; Arrhythmia. Identifiers: MedGen C0003811, MONDO:0007263, HP:0011675.
Long QT syndrome (LQTS). Identifiers: MedGen C0023976, MeSH D008133, MONDO:0002442. Disease mechanism: loss of function. Inheritance: Various modes of inheritance.

Allele frequency attached by ClinVar (database versions not stated): gnomAD exomes 0.00026; ExAC 0.00039; gnomAD 0.00005 and 0.00006; ESP Exome Variant Server 0.00008; TOPMed 0.00022.
gnomAD v4.1: 89 of 1,612,118 alleles (0.0055%); highest among the groups gnomAD compares: Admixed American, 0.12%; no homozygotes.

Submissions (9):

CeGaT Center for Human Genetics Tuebingen
Classification: Likely benign. Last evaluated: 2026-07-01. Review status: criteria provided, single submitter. Criteria: CeGaT Center For Human Genetics Tuebingen Variant Classification Criteria Version 2. Collection method: clinical testing. Allele origin: germline. Affected: yes. Observed: 5 variant alleles.
Comment: KCNH2: BS1

Labcorp Genetics (formerly Invitae), Labcorp
Classification: Likely benign for Long QT syndrome. Last evaluated: 2025-08-05. Review status: criteria provided, single submitter. Criteria: Invitae Variant Classification Sherloc (09022015). Collection method: clinical testing. Allele origin: germline.

ARUP Laboratories, Molecular Genetics and Genomics, ARUP Laboratories
Classification: Likely benign. Last evaluated: 2025-04-22. Review status: criteria provided, single submitter. Criteria: ARUP Molecular Germline Variant Investigation Process 2024. Collection method: clinical testing. Allele origin: germline.

Ambry Genetics
Classification: Likely benign for Cardiovascular phenotype. Last evaluated: 2020-03-24. Review status: criteria provided, single submitter. Criteria: Ambry Variant Classification Scheme 2023. Collection method: clinical testing. Allele origin: germline.

Women's Health and Genetics/Laboratory Corporation of America, LabCorp
Classification: Likely benign. Last evaluated: 2019-11-04. Review status: criteria provided, single submitter. Criteria: LabCorp Variant Classification Summary - May 2015. Collection method: clinical testing. Allele origin: germline.
Comment: Variant summary: KCNH2 c.2932G>A (p.Glu978Lys) results in a conservative amino acid change in the encoded protein sequence. Four of five in-silico tools predict a benign effect of the variant on protein function. The variant allele was found at a frequency of 0.00026 in 243320 control chromosomes, predominantly at a frequency of 0.0015 within the Latino subpopulation in the gnomAD database. The observed variant frequency within Latino control individuals in the gnomAD database is approximately 15 fold of the estimated maximal expected allele frequency for a pathogenic variant in KCNH2 causing Arrhythmia phenotype (0.0001), strongly suggesting that the variant is a benign polymorphism found primarily in populations of Latino origin. c.2932G>A has been reported in the literature (Ruklisa_2015, Giudicessi_2012). However, these reports do not provide unequivocal conclusions about association of the variant with Arrhythmia. To our knowledge, no experimental evidence demonstrating an impact on protein function has been reported. Three ClinVar submitters (evaluation after 2014) have classified the variant as likely benign. Based on the evidence outlined above, the variant was classified as likely benign.

Color Diagnostics, LLC DBA Color Health
Classification: Likely benign for Arrhythmia. Last evaluated: 2018-10-15. Review status: criteria provided, single submitter. Criteria: ACMG Guidelines, 2015. Collection method: clinical testing. Allele origin: germline.

Athena Diagnostics
Classification: Likely benign. Last evaluated: 2018-10-02. Review status: criteria provided, single submitter. Criteria: Athena Diagnostics Criteria. Collection method: clinical testing. Allele origin: germline.

GeneDx
Classification: Likely benign. Last evaluated: 2017-08-18. Review status: criteria provided, single submitter. Criteria: GeneDx Variant Classification (06012015). Collection method: clinical testing. Allele origin: germline. Affected: yes.
Comment: This variant is considered likely benign or benign based on one or more of the following criteria: it is a conservative change, it occurs at a poorly conserved position in the protein, it is predicted to be benign by multiple in silico algorithms, and/or has population frequency not consistent with disease.

Cardiovascular Biomedical Research Unit, Royal Brompton & Harefield NHS Foundation Trust
No classification provided. Review status: no classification provided. Collection method: literature only. Allele origin: germline. Not counted in ClinVar's aggregate classification.
Comment: This variant has been reported in the following publications (PMID:19841300).

Literature cited by the submitters: PubMed 19841300 (cited by 3 submitters); PubMed 22949429 (cited by Women's Health and Genetics/Laboratory Corporation of America, LabCorp); PubMed 25649125 (cited by Women's Health and Genetics/Laboratory Corporation of America, LabCorp); PubMed 22581653 (cited by Cardiovascular Biomedical Research Unit, Royal Brompton & Harefield NHS Foundation Trust).